The following is an entry in ClinVar:

NM_001009944.3(PKD1):c.9355A>T (p.Lys3119Ter)

Gene: PKD1 (polycystin 1, transient receptor potential channel interacting; minus strand). Cytogenetic location: 16p13.3.
Variant type: single nucleotide variant.
Coding change: c.9355A>T on transcript NM_001009944.3 (MANE Select); coding-DNA position 9355, A replaced by T.
Protein change: p.Lys3119Ter; replaces lysine 3119 with a stop codon.
Molecular consequence: nonsense.
Genome position (GRCh38, 1-based): chr16:2,102,103, T>A on the plus strand (A>T on the coding strand, the complement: PKD1 is on the minus strand). VCF-style: chr16-2102103-T-A. GRCh37 (hg19) VCF-style: chr16-2152104-T-A.
Other names: c.9355A>T, p.Lys3119Ter (NM_000296.4); short protein forms K3119*.
Identifiers: ClinVar variation 2444175 (VCV002444175.2), dbSNP rs1315416272, ClinGen allele CA394357757.

ClinVar aggregate classification (germline): Pathogenic/Likely pathogenic. Review status: criteria provided, multiple submitters, no conflicts (2 of 4 stars). 2 submissions from 2 submitters: Pathogenic (1); Likely pathogenic (1). Last evaluated 2026-05-07.

Conditions:
Polycystic kidney disease, adult type (PKD1). Also called: POLYCYSTIC KIDNEY DISEASE, ADULT, TYPE I; Polycystic Kidney Disease 1, Autosomal Dominant; Polycystic kidney disease 1; Polycystic kidney disease 1, severe; Polycystic Kidney, Autosomal Dominant; POLYCYSTIC KIDNEY DISEASE 1 WITH OR WITHOUT POLYCYSTIC LIVER DISEASE. Identifiers: MedGen C3149841, MONDO:0008263, OMIM 173900.

Submissions (2):

Victorian Clinical Genetics Services, Murdoch Childrens Research Institute
Classification: Pathogenic for Polycystic kidney disease, adult type. Last evaluated: 2026-05-07. Review status: criteria provided, single submitter. Criteria: ACMG Guidelines, 2015. Collection method: clinical testing. Allele origin: germline. Affected: yes.
Comment: This variant is classified as Pathogenic. Evidence in support of pathogenic classification: Variant is predicted to cause nonsense-mediated decay (NMD) and loss of protein (premature termination codon is located at least 54 nucleotides upstream of the final exon-exon junction); Variant is absent from gnomAD (v2, v3 and v4); Other NMD-predicted variant(s) comparable to the one identified in this case have very strong previous evidence for pathogenicity (DECIPHER). Additional information: This variant is heterozygous; This gene is associated with autosomal dominant disease. Polycystic kidney disease 1 (MIM#173900) is predominantly caused by monoallelic variants, with rare reports of biallelic variants causing disease (OMIM); Loss of function is a known mechanism of disease in this gene and is associated with polycystic kidney disease 1 (MIM#173900); Inheritance information for this variant is not currently available in this individual.

3billion
Classification: Likely pathogenic for Polycystic kidney disease, adult type. Last evaluated: 2023-02-23. Review status: criteria provided, single submitter. Criteria: ACMG Guidelines, 2015. Collection method: clinical testing. Allele origin: unknown. Affected: yes.
Comment: The variant is not observed in the gnomAD v2.1.1 dataset. This variant was predicted to result in a loss or disruption of normal protein function through nonsense-mediated decay (NMD) or protein truncation. Multiple pathogenic variants are reported downstream of the variant. Therefore, this variant is classified as Likely pathogenic according to the recommendation of ACMG/AMP guideline.